The following is an entry in ClinVar:

ClinVar aggregate classification (germline): Uncertain significance (1 of 4 stars; one submission).

Conditions:
Inborn genetic diseases. Identifiers: MedGen C0950123, MeSH D030342.

Submission:

Ambry Genetics
Classification: Uncertain significance for Inborn genetic diseases. Last evaluated: 2026-08-15. Review status: criteria provided, single submitter. Criteria: Ambry Variant Classification Scheme 2023. Collection method: clinical testing. Allele origin: germline.
Comment: The p.A284T variant (also known as c.850G>A), located in coding exon 8 of the ANKRD26 gene, results from a G to A substitution at nucleotide position 850. The alanine at codon 284 is replaced by threonine, an amino acid with similar properties. This amino acid position is conserved. In addition, this alteration is predicted to be tolerated by in silico analysis. Based on the available evidence, the clinical significance of this variant remains unclear.

NM_014915.3(ANKRD26):c.850G>A (p.Ala284Thr)

Gene: ANKRD26 (ankyrin repeat domain 26; minus strand). Cytogenetic location: 10p12.1.
Variant type: single nucleotide variant.
Coding change: c.850G>A on transcript NM_014915.3 (MANE Select); coding-DNA position 850, G replaced by A.
Protein change: p.Ala284Thr; replaces alanine 284 with threonine.
Molecular consequence: missense variant.
Genome position (GRCh38, 1-based): chr10:27,077,657, C>T on the plus strand (G>A on the coding strand, the complement: ANKRD26 is on the minus strand). VCF-style: chr10-27077657-C-T. GRCh37 (hg19) VCF-style: chr10-27366586-C-T.
Other names: c.850G>A, p.Ala284Thr (NM_001256053.2); short protein forms A284T.
Identifiers: ClinVar variation 5022699 (VCV005022699.1).